The following is an entry in ClinVar:

NM_006445.4(PRPF8):c.3334C>T (p.Arg1112Cys)

Gene: PRPF8 (pre-mRNA processing factor 8; minus strand). Cytogenetic location: 17p13.3.
Variant type: single nucleotide variant.
Coding change: c.3334C>T on transcript NM_006445.4 (MANE Select); coding-DNA position 3334, C replaced by T.
Protein change: p.Arg1112Cys; replaces arginine 1112 with cysteine.
Molecular consequence: missense variant.
Genome position (GRCh38, 1-based): chr17:1,673,858, G>A on the plus strand (C>T on the coding strand, the complement: PRPF8 is on the minus strand). VCF-style: chr17-1673858-G-A. GRCh37 (hg19) VCF-style: chr17-1577152-G-A.
Other names: short protein forms R1112C.
Identifiers: ClinVar variation 2973616 (VCV002973616.4), dbSNP rs1465584537, ClinGen allele CA397541728.
Genomic context (GRCh38, chr17:1,673,858, plus strand): 5'-TCTTGTTATTATAGCCAACGATGTTTTCATTATTGGGGTCAGGGTGCTCTGTCAGGTAAC[G>A]TTGAATCAGGTCCCGAGCCTCATCTGCTGTGAACCTACACCAGACCAGGTACACTGCTGA-3'
Protein context (NP_006436.3, residues 1102-1122): TADEARDLIQ[Arg1112Cys]YLTEHPDPNN

ClinVar aggregate classification (germline): Uncertain significance. Review status: criteria provided, multiple submitters, no conflicts (2 of 4 stars). 2 submissions from 2 submitters: Uncertain significance (2). Last evaluated 2023-07-13.

Allele frequency attached by ClinVar (database versions not stated): TOPMed below 0.00001; gnomAD 0.00001; gnomAD exomes 0.00001.
gnomAD v4.1: 16 of 1,613,776 alleles (0.00099%); highest among the groups gnomAD compares: Non-Finnish European, 0.0014%; no homozygotes.

Submissions (2):

Labcorp Genetics (formerly Invitae), Labcorp
Classification: Uncertain significance. Last evaluated: 2023-07-13. Review status: criteria provided, single submitter. Criteria: Invitae Variant Classification Sherloc (09022015). Collection method: clinical testing. Allele origin: germline.
Comment: This variant has not been reported in the literature in individuals affected with PRPF8-related conditions. This variant is present in population databases (no rsID available, gnomAD 0.002%). This sequence change replaces arginine, which is basic and polar, with cysteine, which is neutral and slightly polar, at codon 1112 of the PRPF8 protein (p.Arg1112Cys). Advanced modeling of protein sequence and biophysical properties (such as structural, functional, and spatial information, amino acid conservation, physicochemical variation, residue mobility, and thermodynamic stability) performed at Invitae indicates that this missense variant is expected to disrupt PRPF8 protein function. In summary, the available evidence is currently insufficient to determine the role of this variant in disease. Therefore, it has been classified as a Variant of Uncertain Significance. Algorithms developed to predict the effect of sequence changes on RNA splicing suggest that this variant may create or strengthen a splice site.

Blueprint Genetics
Classification: Uncertain significance. Last evaluated: 2021-09-10. Review status: criteria provided, single submitter. Criteria: ACMG Guidelines, 2015. Collection method: clinical testing. Allele origin: germline.